The following is an entry in ClinVar:

NM_054027.6(ANKH):c.1126TTC[1] (p.Phe377del)

Gene: ANKH (ANKH inorganic pyrophosphate transport regulator; minus strand). Cytogenetic location: 5p15.2.
Variant type: Microsatellite.
Coding change: c.1126TTC[1] on transcript NM_054027.6 (MANE Select); one copy of the 3-base unit TTC starting at c.1126; the reference has two copies in a row; one copy, 3 bases deleted; also written c.1129_1131del.
Protein change: p.Phe377del; deletes phenylalanine 377.
Molecular consequence: inframe deletion.
Genome position (GRCh38, 1-based): chr5:14,716,716-14,716,718, GAA deleted on the plus strand (TTC on the coding strand, the reverse complement: ANKH is on the minus strand); deleting any 3 consecutive bases within chr5:14,716,716-14,716,722 gives the same sequence; the position shown is the placement nearest the transcript's 3' end. VCF-style (leftmost placement, unchanged base first): chr5-14716715-GGAA-G. GRCh37 (hg19) VCF-style: chr5-14716824-GGAA-G.
Other names: F377delF; c.1129_1131del (NM_054027.6); short protein forms F377del.
Identifiers: ClinVar variation 5191 (VCV000005191.13), dbSNP rs121908405, ClinGen allele CA253424.

ClinVar aggregate classification (germline): Pathogenic. Review status: criteria provided, multiple submitters, no conflicts (2 of 4 stars). 5 submissions from 5 submitters: Pathogenic (4). 1 of the submissions does not count toward it. Last evaluated 2024-09-25.

Conditions:
Craniometaphyseal dysplasia, autosomal dominant (CMDD). Identifiers: Orphanet 1522, MedGen C1852502, MONDO:0007397, OMIM 123000.
Chondrocalcinosis 2. Also called: CALCIUM GOUT; CALCIUM PYROPHOSPHATE ARTHROPATHY; Familial calcium pyrophosphate deposition. Identifiers: Orphanet 1416, MedGen C0856830, MONDO:0007319, OMIM 118600.

Submissions (5):

3billion
Classification: Pathogenic for Craniometaphyseal dysplasia, autosomal dominant. Last evaluated: 2024-09-25. Review status: criteria provided, single submitter. Criteria: ACMG Guidelines, 2015. Collection method: clinical testing. Allele origin: germline. Affected: yes.
Comment: The variant is not observed in the gnomAD v4.0.0 dataset. Predicted Consequence/Location: Inframe deletion located in a nonrepeat region: predicted to change the length of the protein and disrupt normal protein function. Functional studies provide strong evidence of the variant having a damaging effect on the gene or gene product (PMID: 30356088). The variant has been observed in at least two similarly affected unrelated individuals (PMID: 11326272). The variant has been reported at least twice as pathogenic without evidence for the classification (ClinVar ID: VCV000005191). Therefore, this variant is classified as Pathogenic according to the recommendation of ACMG/AMP guideline.

Labcorp Genetics (formerly Invitae), Labcorp
Classification: Pathogenic. Last evaluated: 2023-10-25. Review status: criteria provided, single submitter. Criteria: Invitae Variant Classification Sherloc (09022015). Collection method: clinical testing. Allele origin: germline.
Comment: This variant, c.1129_1131del, results in the deletion of 1 amino acid(s) of the ANKH protein (p.Phe377del), but otherwise preserves the integrity of the reading frame. This variant is not present in population databases (gnomAD no frequency). This variant has been observed in individuals with craniometaphyseal dysplasia (PMID: 11326272). It has also been observed to segregate with disease in related individuals. Algorithms developed to predict the effect of variants on protein structure and function are not available or were not evaluated for this variant. Experimental studies have shown that this variant affects ANKH function (PMID: 30356088). For these reasons, this variant has been classified as Pathogenic.

Neuberg Centre For Genomic Medicine, NCGM
Classification: Pathogenic for Craniometaphyseal dysplasia, autosomal dominant. Last evaluated: 2023-06-22. Review status: criteria provided, single submitter. Criteria: ACMG Guidelines, 2015. Collection method: clinical testing. Allele origin: germline. Inheritance: Autosomal dominant inheritance. Affected: yes.
Comment: The observed inframe deletion variant c.1129_1131delp.Phe377del in the ANKH gene has been reported previously in individuals with craniometaphyseal dysplasia. Experimental studies have shown that this variant affects ANKH function Nürnberg P, et al., 2001; Kanaujiya J, et al., 2018. This variant is absent in the gnomAD Exomes. This p.Phe377del causes deletion of amino acid Phenylalanine at position 377. This variant has been reported to the ClinVar database as Pathogenic. This variant is predicted to cause changes in the protein length resulting from in-frame deletion. For these reasons, this variant has been classified as Pathogenic.

Mendelics
Classification: Pathogenic for Chondrocalcinosis 2. Last evaluated: 2022-05-04. Review status: criteria provided, single submitter. Criteria: Mendelics Assertion Criteria 2019. Collection method: clinical testing. Allele origin: germline.

OMIM
Classification: Pathogenic for CRANIOMETAPHYSEAL DYSPLASIA, AUTOSOMAL DOMINANT. Last evaluated: 2001-06-01. Review status: no assertion criteria provided. Collection method: literature only. Allele origin: germline. Not counted in ClinVar's aggregate classification.

Literature cited by the submitters: PubMed 30356088 (cited by 3billion and Labcorp Genetics (formerly Invitae), Labcorp); PubMed 11326272 (cited by 3 submitters); PubMed 14322785 (cited by OMIM); Schwahn, B., Schaper, J., Herkenrath, P., Michel, O., Schonau, E. Autosomal-dominante kraniometaphysaere dysplasie. Monatsschr. Kinderheilkd. 144: 1073-1077, 1996. (cited by OMIM); PubMed 11326338 (cited by OMIM).